The following is an entry in ClinVar:

NM_000540.3(RYR1):c.1668_1669insGTAGGAGAACCCGGGTGGCTGGTCAGCAAGCTGGATCGGCTGGAGGCCTCA (p.Ser556_Ser557insValGlyGluProGlyTrpLeuValSerLysLeuAspArgLeuGluAlaSer)

Gene: RYR1 (ryanodine receptor 1; plus strand). Cytogenetic location: 19q13.2.
Variant type: Insertion.
Coding change: c.1668_1669insGTAGGAGAACCCGGGTGGCTGGTCAGCAAGCTGGATCGGCTGGAGGCCTCA on transcript NM_000540.3 (MANE Select); coding-DNA positions 1668 to 1669, GTAGGAGAACCCGGGTGGCTGGTCAGCAAGCTGGATCGGCTGGAGGCCTCA inserted.
Protein change: p.Ser556_Ser557insValGlyGluProGlyTrpLeuValSerLysLeuAspArgLeuGluAlaSer.
Genome position: GRCh38: chr19:38,455,542-38,455,543. GRCh37 (hg19): chr19:38,946,182-38,946,183.
Other names: c.1668_1669insGTAGGAGAACCCGGGTGGCTGGTCAGCAAGCTGGATCGGCTGGAGGCCTCA, p.Ser556_Ser557insValGlyGluProGlyTrpLeuValSerLysLeuAspArgLeuGluAlaSer (NM_001042723.2).
Identifiers: ClinVar variation 3387655 (VCV003387655.1).

ClinVar aggregate classification (germline): Uncertain significance (1 of 4 stars; one submission).

Conditions:
Malignant hyperthermia, susceptibility to, 1 (MHS1). Also called: Anesthesia related hyperthermia; Malignant hyperpyrexia; Fulminating hyperpyrexia; Pharmacogenic myopathy; RYR1-Related Malignant Hyperthermia Susceptibility; Malignant hyperthermia suceptibility 1. Identifiers: Orphanet 423, MedGen C2930980, MONDO:0007783, OMIM 145600.

Submission:

All of Us Research Program, National Institutes of Health
Classification: Uncertain significance for Malignant hyperthermia, susceptibility to, 1. Last evaluated: 2024-03-24. Review status: criteria provided, single submitter. Criteria: ACMG Guidelines, 2015. Collection method: clinical testing. Allele origin: germline. Inheritance: Autosomal dominant inheritance. Observed: 1 variant allele, 1 heterozygote.
Comment: This causes an in-frame insertion of 17 amino acids in exon 15 of the RYR1 protein. To our knowledge, functional studies have not been reported for this variant. This variant has not been reported in individuals affected with RYR1-related disorders in the literature. This variant has not been identified in the general population by the Genome Aggregation Database (gnomAD). The available evidence is insufficient to determine the role of this variant in disease conclusively. Therefore, this variant is classified as a Variant of Uncertain Significance.

This study involves interpretation of variants in research participants for the purpose of population health screening. Participant phenotype was not available at the time of variant classification. Additional details can be found in publication PMID: 35346344, PMCID: PMC8962531